The following is an entry in ClinVar:

NM_002582.4(PARN):c.573A>T (p.Leu191Phe)

Gene: PARN (poly(A)-specific ribonuclease; minus strand). Cytogenetic location: 16p13.12.
Variant type: single nucleotide variant.
Coding change: c.573A>T on transcript NM_002582.4 (MANE Select); coding-DNA position 573, A replaced by T.
Protein change: p.Leu191Phe; replaces leucine 191 with phenylalanine.
Molecular consequence: missense variant.
Genome position (GRCh38, 1-based): chr16:14,609,105, T>A on the plus strand (A>T on the coding strand, the complement: PARN is on the minus strand). VCF-style: chr16-14609105-T-A. GRCh37 (hg19) VCF-style: chr16-14702962-T-A.
Other names: c.390A>T, p.Leu130Phe (NM_001134477.3); c.435A>T, p.Leu145Phe (NM_001242992.2); short protein forms L130F, L145F, L191F.
Identifiers: ClinVar variation 846723 (VCV000846723.4), dbSNP rs765326441, ClinGen allele CA278533227.

ClinVar aggregate classification (germline): Uncertain significance (1 of 4 stars; one submission).

Conditions:
Dyskeratosis congenita, autosomal recessive 6 (DKCB6). Identifiers: MedGen C4225356, MONDO:0014600, OMIM 616353.
Pulmonary fibrosis and/or bone marrow failure, Telomere-related, 4. Also called: PULMONARY FIBROSIS AND/OR BONE MARROW FAILURE SYNDROME, TELOMERE-RELATED, 4. Identifiers: Orphanet 2032, MedGen C4225347, MONDO:0014612, OMIM 616371.

Allele frequency attached by ClinVar (database versions not stated): gnomAD 0.00001; gnomAD exomes 0.00002; TOPMed 0.00002.
gnomAD v4.1: 28 of 1,541,876 alleles (0.0018%); highest among the groups gnomAD compares: Non-Finnish European, 0.0023%; no homozygotes.

Submission:

Labcorp Genetics (formerly Invitae), Labcorp
Classification: Uncertain significance for Dyskeratosis congenita, autosomal recessive 6; Pulmonary fibrosis and/or bone marrow failure, Telomere-related, 4. Last evaluated: 2023-12-04. Review status: criteria provided, single submitter. Criteria: Invitae Variant Classification Sherloc (09022015). Collection method: clinical testing. Allele origin: germline.
Comment: This sequence change replaces leucine, which is neutral and non-polar, with phenylalanine, which is neutral and non-polar, at codon 191 of the PARN protein (p.Leu191Phe). The frequency data for this variant in the population databases is considered unreliable, as metrics indicate poor data quality at this position in the gnomAD database. This variant has not been reported in the literature in individuals affected with PARN-related conditions. ClinVar contains an entry for this variant (Variation ID: 846723). Advanced modeling of protein sequence and biophysical properties (such as structural, functional, and spatial information, amino acid conservation, physicochemical variation, residue mobility, and thermodynamic stability) performed at Invitae indicates that this missense variant is not expected to disrupt PARN protein function with a negative predictive value of 80%. In summary, the available evidence is currently insufficient to determine the role of this variant in disease. Therefore, it has been classified as a Variant of Uncertain Significance.